The following is an entry in ClinVar:

ClinVar aggregate classification (germline): Pathogenic (1 of 4 stars; one submission).

Submission:

Quest Diagnostics Nichols Institute San Juan Capistrano
Classification: Pathogenic. Last evaluated: 2023-10-04. Review status: criteria provided, single submitter. Criteria: ACMG/ClinGen CNV Guidelines, 2019. Collection method: clinical testing. Allele origin: unknown.
Comment: The deletion is consistent with the 17q21.3 recurrent region (ISCA-37420), haploinsufficiency of which is associated with Koolen-de Vries syndrome (KDVS; OMIM 610443). Therefore, this variant is classified as pathogenic. References: Koolen et al. GeneReviews [Internet]. 2023 Feb 2. PMID:20301785

GRCh37/hg19 17q21.31(chr17:43693538-44212416)x1

Genes: STH (saitohin), CRHR1 (corticotropin releasing hormone receptor 1), KANSL1 (KAT8 regulatory NSL complex subunit 1), MAPT (microtubule associated protein tau), SPPL2C (signal peptide peptidase like 2C). Cytogenetic location: 17q21.31.
Variant type: copy number loss.
Change: copy number 1 (one copy instead of two) of chr17:43,693,538-44,212,416 (518.9 kb, GRCh37 coordinates, 1-based), cytogenetic band 17q21.31.
Identifiers: ClinVar variation 1809344 (VCV001809344.2).